The following is an entry in ClinVar:

NM_152383.5(DIS3L2):c.1660-3C>A

Gene: DIS3L2 (DIS3 like 3'-5' exoribonuclease 2; plus strand). Cytogenetic location: 2q37.1.
Variant type: single nucleotide variant.
Coding change: c.1660-3C>A on transcript NM_152383.5 (MANE Select); 3 bases into the intron before coding-DNA position 1660, C replaced by A.
Molecular consequence: intron variant.
Genome position (GRCh38, 1-based): chr2:232,300,037, C>A. VCF-style: chr2-232300037-C-A. GRCh37 (hg19) VCF-style: chr2-233164747-C-A.
Other names: c.1581+36675C>A (NM_001257281.2).
Identifiers: ClinVar variation 652211 (VCV000652211.8), dbSNP rs780045314, ClinGen allele CA2164231.
Genomic context (GRCh38, chr2:232,300,037, plus strand): 5'-CAGCTATTGGAATGAATAGAGCATGCTGCCTAAAACTTCTTTTTCTCTTCTCTCTCTCTT[C>A]AGCTAAAGCTTGCTTTCACTCTGGACCACGAGACCGGATTGCCTCAAGGATGTCATATCT-3'

ClinVar aggregate classification (germline): Uncertain significance (1 of 4 stars; one submission).

Conditions:
Perlman syndrome (PRLMNS). Identifiers: Orphanet 2849, MedGen C0796113, MONDO:0009965, OMIM 267000.

Allele frequency attached by ClinVar (database versions not stated): gnomAD exomes below 0.00001; ExAC 0.00001; TOPMed 0.00002; gnomAD 0.00003.
gnomAD v4.1: 4 of 1,613,120 alleles (0.00025%); highest among the groups gnomAD compares: Non-Finnish European, 0.00034%; no homozygotes.

Submission:

Labcorp Genetics (formerly Invitae), Labcorp
Classification: Uncertain significance for Perlman syndrome. Last evaluated: 2024-03-06. Review status: criteria provided, single submitter. Criteria: Invitae Variant Classification Sherloc (09022015). Collection method: clinical testing. Allele origin: germline.
Comment: This sequence change falls in intron 13 of the DIS3L2 gene. It does not directly change the encoded amino acid sequence of the DIS3L2 protein. It affects a nucleotide within the consensus splice site. This variant is present in population databases (rs780045314, gnomAD 0.003%). This variant has not been reported in the literature in individuals affected with DIS3L2-related conditions. ClinVar contains an entry for this variant (Variation ID: 652211). Variants that disrupt the consensus splice site are a relatively common cause of aberrant splicing (PMID: 17576681, 9536098). Algorithms developed to predict the effect of sequence changes on RNA splicing suggest that this variant is not likely to affect RNA splicing. In summary, the available evidence is currently insufficient to determine the role of this variant in disease. Therefore, it has been classified as a Variant of Uncertain Significance.

Literature cited by the submitters: PubMed 17576681; PubMed 9536098.